The following is an entry in ClinVar:

ClinVar aggregate classification (germline): Uncertain significance (1 of 4 stars; one submission).

Conditions:
Epileptic encephalopathy. Identifiers: MedGen C0543888, HP:0200134.

Allele frequency attached by ClinVar (database versions not stated): TOPMed 0.00001; ExAC 0.00008.
gnomAD v4.1: 129 of 1,612,706 alleles (0.008%); highest among the groups gnomAD compares: Non-Finnish European, 0.01%; no homozygotes.

Submission:

Labcorp Genetics (formerly Invitae), Labcorp
Classification: Uncertain significance for Epileptic encephalopathy. Last evaluated: 2026-01-24. Review status: criteria provided, single submitter. Criteria: Invitae Variant Classification Sherloc (09022015). Collection method: clinical testing. Allele origin: germline.
Comment: This sequence change replaces lysine, which is basic and polar, with methionine, which is neutral and non-polar, at codon 1043 of the FASN protein (p.Lys1043Met). This variant is present in population databases (rs756910426, gnomAD 0.01%). This variant has not been reported in the literature in individuals affected with FASN-related conditions. ClinVar contains an entry for this variant (Variation ID: 1044740). An algorithm developed to predict the effect of missense changes on protein structure and function (PolyPhen-2) suggests that this variant is likely to be tolerated. In summary, the available evidence is currently insufficient to determine the role of this variant in disease. Therefore, it has been classified as a Variant of Uncertain Significance.

NM_004104.5(FASN):c.3128A>T (p.Lys1043Met)

Gene: FASN (fatty acid synthase; minus strand). Cytogenetic location: 17q25.3.
Variant type: single nucleotide variant.
Coding change: c.3128A>T on transcript NM_004104.5 (MANE Select); coding-DNA position 3128, A replaced by T.
Protein change: p.Lys1043Met; replaces lysine 1043 with methionine.
Molecular consequence: missense variant.
Genome position (GRCh38, 1-based): chr17:82,087,420, T>A on the plus strand (A>T on the coding strand, the complement: FASN is on the minus strand). VCF-style: chr17-82087420-T-A. GRCh37 (hg19) VCF-style: chr17-80045296-T-A.
Other names: short protein forms K1043M.
Identifiers: ClinVar variation 1044740 (VCV001044740.6), dbSNP rs756910426, ClinGen allele CA8852502.